The following is an entry in ClinVar:

NM_000431.4(MVK):c.1096G>C (p.Asp366His)

Gene: MVK (mevalonate kinase; plus strand). Cytogenetic location: 12q24.11.
Variant type: single nucleotide variant.
Coding change: c.1096G>C on transcript NM_000431.4 (MANE Select); coding-DNA position 1096, G replaced by C.
Protein change: p.Asp366His; replaces aspartic acid 366 with histidine.
Molecular consequence: missense variant.
Genome position (GRCh38, 1-based): chr12:109,596,482, G>C. VCF-style: chr12-109596482-G-C. GRCh37 (hg19) VCF-style: chr12-110034287-G-C.
Other names: c.1096G>C, p.Asp366His (NM_001114185.3); c.940G>C, p.Asp314His (NM_001301182.2); short protein forms D366H, D314H.
Identifiers: ClinVar variation 571539 (VCV000571539.8), dbSNP rs1566153793, ClinGen allele CA386651329.

ClinVar aggregate classification (germline): Uncertain significance (1 of 4 stars; one submission).

Conditions:
Hyperimmunoglobulin D with periodic fever (HIDS). Also called: HYPERIMMUNOGLOBULINEMIA D AND PERIODIC FEVER SYNDROME; Hyperimmunoglobulinemia D with periodic fever; Hyperimmunoglobulinemia D. Identifiers: Orphanet 343, MedGen C0398691, MONDO:0009849, OMIM 260920.
Mevalonic aciduria (MEVA). Identifiers: Orphanet 29, MedGen C1959626, MONDO:0012481, OMIM 610377.
Porokeratosis 3, disseminated superficial actinic type (POROK3). Also called: POROKERATOSIS 3, MULTIPLE TYPES; POROKERATOSIS 3, MIBELLI TYPE; POROKERATOSIS, DISSEMINATED SUPERFICIAL ACTINIC, 1. Identifiers: MedGen C1867981, MONDO:0008293, OMIM 175900.

Allele frequency attached by ClinVar (database versions not stated): gnomAD exomes below 0.00001.
gnomAD v4.1: 1 of 1,613,602 alleles (0.000062%); highest among the groups gnomAD compares: Non-Finnish European, 0.000085%; no homozygotes.

Submission:

Labcorp Genetics (formerly Invitae), Labcorp
Classification: Uncertain significance for Mevalonic aciduria; Hyperimmunoglobulin D with periodic fever; Porokeratosis 3, disseminated superficial actinic type. Last evaluated: 2024-02-07. Review status: criteria provided, single submitter. Criteria: Invitae Variant Classification Sherloc (09022015). Collection method: clinical testing. Allele origin: germline.
Comment: This sequence change replaces aspartic acid, which is acidic and polar, with histidine, which is basic and polar, at codon 366 of the MVK protein (p.Asp366His). This variant is not present in population databases (gnomAD no frequency). This variant has not been reported in the literature in individuals affected with MVK-related conditions. ClinVar contains an entry for this variant (Variation ID: 571539). Advanced modeling of protein sequence and biophysical properties (such as structural, functional, and spatial information, amino acid conservation, physicochemical variation, residue mobility, and thermodynamic stability) performed at Invitae indicates that this missense variant is expected to disrupt MVK protein function with a positive predictive value of 95%. In summary, the available evidence is currently insufficient to determine the role of this variant in disease. Therefore, it has been classified as a Variant of Uncertain Significance.